The following is an entry in ClinVar:

NM_000136.3(FANCC):c.897-19C>T

Genes: AOPEP (aminopeptidase O (putative); plus strand), FANCC (FA complementation group C; minus strand). Cytogenetic location: 9q22.32.
Variant type: single nucleotide variant.
Coding change: c.897-19C>T on transcript NM_000136.3 (MANE Select); 19 bases into the intron before coding-DNA position 897, C replaced by T.
Molecular consequence: intron variant.
Genome position (GRCh38, 1-based): chr9:95,125,204, G>A on the plus strand (C>T on the coding strand, the complement: FANCC is on the minus strand). VCF-style: chr9-95125204-G-A. GRCh37 (hg19) VCF-style: chr9-97887486-G-A.
Other names: c.897-19C>T (NM_001243743.2, NM_001243744.2).
Identifiers: ClinVar variation 137279 (VCV000137279.9), dbSNP rs368830981, ClinGen allele CA290821.

ClinVar aggregate classification (germline): Benign/Likely benign. Review status: criteria provided, multiple submitters, no conflicts (2 of 4 stars). 3 submissions from 3 submitters: Benign (1); Likely benign (2). Last evaluated 2026-01-20.

Conditions:
Fanconi anemia (FA). Also called: Fanconi's anemia. Identifiers: Orphanet 84, MedGen C0015625, MeSH D005199, MONDO:0019391.

Allele frequency attached by ClinVar (database versions not stated): ExAC 0.00002; gnomAD 0.00002; gnomAD exomes 0.00002 and 0.00006; TOPMed 0.00005; ESP Exome Variant Server 0.00008.
gnomAD v4.1: 95 of 1,593,188 alleles (0.006%); highest among the groups gnomAD compares: Non-Finnish European, 0.0076%; no homozygotes.

Submissions (3):

Labcorp Genetics (formerly Invitae), Labcorp
Classification: Likely benign for Fanconi anemia. Last evaluated: 2026-01-20. Review status: criteria provided, single submitter. Criteria: Invitae Variant Classification Sherloc (09022015). Collection method: clinical testing. Allele origin: germline.

Blueprint Genetics
Classification: Likely benign. Last evaluated: 2024-02-05. Review status: criteria provided, single submitter. Criteria: ACMG Guidelines, 2015. Collection method: clinical testing. Allele origin: germline.

GeneDx
Classification: Benign. Last evaluated: 2013-10-18. Review status: criteria provided, single submitter. Criteria: GeneDx Variant Classification (06012015). Collection method: clinical testing. Allele origin: germline. Affected: yes.
Comment: This variant is considered likely benign or benign based on one or more of the following criteria: it is a conservative change, it occurs at a poorly conserved position in the protein, it is predicted to be benign by multiple in silico algorithms, and/or has population frequency not consistent with disease.